The following is an entry in ClinVar:

ClinVar aggregate classification (germline): Uncertain significance (1 of 4 stars; one submission).

Allele frequency attached by ClinVar (database versions not stated): TOPMed below 0.00001; gnomAD 0.00001.
gnomAD v4.1: 1 of 1,612,890 alleles (0.000062%); highest among the groups gnomAD compares: Non-Finnish European, 0.000085%; no homozygotes.

Submission:

Ambry Genetics
Classification: Uncertain significance. Last evaluated: 2023-11-28. Review status: criteria provided, single submitter. Criteria: Ambry Variant Classification Scheme 2023. Collection method: clinical testing. Allele origin: germline.
Comment: The p.F420S variant (also known as c.1259T>C), located in coding exon 10 of the RECQL gene, results from a T to C substitution at nucleotide position 1259. The phenylalanine at codon 420 is replaced by serine, an amino acid with highly dissimilar properties. This amino acid position is highly conserved in available vertebrate species. In addition, this alteration is predicted to be deleterious by in silico analysis. Since supporting evidence is limited at this time, the clinical significance of this alteration remains unclear.

NM_002907.4(RECQL):c.1259T>C (p.Phe420Ser)

Gene: RECQL (RecQ like helicase; minus strand). Cytogenetic location: 12p12.1.
Variant type: single nucleotide variant.
Coding change: c.1259T>C on transcript NM_002907.4 (MANE Select); coding-DNA position 1259, T replaced by C.
Protein change: p.Phe420Ser; replaces phenylalanine 420 with serine.
Molecular consequence: missense variant.
Genome position (GRCh38, 1-based): chr12:21,474,937, A>G on the plus strand (T>C on the coding strand, the complement: RECQL is on the minus strand). VCF-style: chr12-21474937-A-G. GRCh37 (hg19) VCF-style: chr12-21627871-A-G.
Other names: c.1259T>C, p.Phe420Ser (NM_032941.3); short protein forms F420S.
Identifiers: ClinVar variation 1762609 (VCV001762609.2), dbSNP rs1439925482, ClinGen allele CA384118743.
Genomic context (GRCh38, chr12:21,474,937, plus strand): 5'-AGCTTCTGCTGTCCCACATTTTCCATCACCACCATTGAACTTATTCTGAATATATCTCCA[A>G]AGCCGTAGTACAAAATACAGTCTGCTTTCATGTCATCTCGACCTGTGGTGTGAGAAACCT-3'
Protein context (NP_002898.2, residues 410-430): MKADCILYYG[Phe420Ser]GDIFRISSMV